The following is an entry in ClinVar:

ClinVar aggregate classification (germline): Uncertain significance (1 of 4 stars; one submission).

Conditions:
Autosomal recessive limb-girdle muscular dystrophy type 2A (LGMDR1). Also called: Muscular dystrophy, limb-girdle, type 2A, Amish; Calpainopathy; LEYDEN-MOEBIUS MUSCULAR DYSTROPHY; MUSCULAR DYSTROPHY, PELVOFEMORAL; Limb-girdle muscular dystrophy, type 2A. Identifiers: Orphanet 267, MedGen C1869123, MONDO:0009675, OMIM 253600. Disease mechanism: loss of function.

Submission:

Labcorp Genetics (formerly Invitae), Labcorp
Classification: Uncertain significance for Autosomal recessive limb-girdle muscular dystrophy type 2A. Last evaluated: 2025-01-06. Review status: criteria provided, single submitter. Criteria: Invitae Variant Classification Sherloc (09022015). Collection method: clinical testing. Allele origin: germline.
Comment: This sequence change replaces aspartic acid, which is acidic and polar, with asparagine, which is neutral and polar, at codon 645 of the CAPN3 protein (p.Asp645Asn). This variant is not present in population databases (gnomAD no frequency). This variant has not been reported in the literature in individuals affected with CAPN3-related conditions. Invitae Evidence Modeling of protein sequence and biophysical properties (such as structural, functional, and spatial information, amino acid conservation, physicochemical variation, residue mobility, and thermodynamic stability) has been performed for this missense variant. However, the output from this modeling did not meet the statistical confidence thresholds required to predict the impact of this variant on CAPN3 protein function. In summary, the available evidence is currently insufficient to determine the role of this variant in disease. Therefore, it has been classified as a Variant of Uncertain Significance.

NM_000070.3(CAPN3):c.1933G>A (p.Asp645Asn)

Gene: CAPN3 (calpain 3; plus strand). Cytogenetic location: 15q15.1.
Variant type: single nucleotide variant.
Coding change: c.1933G>A on transcript NM_000070.3 (MANE Select); coding-DNA position 1933, G replaced by A.
Protein change: p.Asp645Asn; replaces aspartic acid 645 with asparagine.
Molecular consequence: missense variant. On other transcripts: 5 prime UTR variant (2).
Genome position (GRCh38, 1-based): chr15:42,409,321, G>A. VCF-style: chr15-42409321-G-A. GRCh37 (hg19) VCF-style: chr15-42701519-G-A.
Other names: c.1915G>A, p.Asp639Asn (NM_024344.2); c.1657G>A, p.Asp553Asn (NM_173087.2); c.397G>A, p.Asp133Asn (NM_173088.2); c.-63G>A (NM_173089.2, NM_173090.2); short protein forms D133N, D553N, D639N, D645N.
Identifiers: ClinVar variation 3607735 (VCV003607735.2).
Genomic context (GRCh38, chr15:42,409,321, plus strand): 5'-CCTCTGACCCCTGTGAACCAGTTTTCCTTTGTGCCTCCACAGCCACAGCCTGGCAGCTCT[G>A]ATCAGGAAAGTGAGGAACAGCAACAATTCCGGAACATTTTCAAGCAGATAGCAGGAGATG-3'
Protein context (NP_000061.1, residues 635-655): QSPQPQPGSS[Asp645Asn]QESEEQQQFR